The following is an entry in ClinVar:

ClinVar aggregate classification (germline): Pathogenic/Likely pathogenic. Review status: criteria provided, multiple submitters, no conflicts (2 of 4 stars). 4 submissions from 4 submitters: Pathogenic (3); Likely pathogenic (1). Last evaluated 2025-09-30.

Conditions:
ABCA4-related disorder. Also called: ABCA4-related condition; ABCA4-related disorders. Identifiers: MedGen CN239167.
Severe early-childhood-onset retinal dystrophy (STGD1). Also called: STGD; Juvenile onset macular degeneration; Stargardt disease 1; Stargardt macular dystrophy; MACULAR DYSTROPHY WITH FLECKS, TYPE 1. Identifiers: Orphanet 364055, Orphanet 827, MedGen C1855465, MeSH D000080362, MONDO:0009549, OMIM 248200.

Submissions (4):

PreventionGenetics, part of Exact Sciences
Classification: Pathogenic for ABCA4-related condition. Last evaluated: 2025-09-30. Review status: criteria provided, single submitter. Criteria: ACMG Guidelines, 2015. Collection method: clinical testing. Allele origin: germline.
Comment: The ABCA4 c.5714+1G>T variant is predicted to disrupt the GT donor site and interfere with normal splicing. This variant has been reported in the homozygous or apparently homozygous state in individuals with retinal disease or retinitis pigmentosa (Sahin et al. 2024. PubMed ID: 38465142; Table S2, Zampaglione et al. 2020. PubMed ID: 32037395; Table S5, Rodríguez-Muñoz et al. 2020. PubMed ID: 32036094). This variant has not been reported in a large population database (gnomAD), indicating this variant is rare. Variants that disrupt the consensus splice donor site in ABCA4 are expected to be pathogenic. This variant is interpreted as pathogenic.

Labcorp Genetics (formerly Invitae), Labcorp
Classification: Pathogenic. Last evaluated: 2022-08-15. Review status: criteria provided, single submitter. Criteria: Invitae Variant Classification Sherloc (09022015). Collection method: clinical testing. Allele origin: germline.
Comment: This sequence change affects a donor splice site in intron 40 of the ABCA4 gene. It is expected to disrupt RNA splicing. Variants that disrupt the donor or acceptor splice site typically lead to a loss of protein function (PMID: 16199547), and loss-of-function variants in ABCA4 are known to be pathogenic (PMID: 10958761, 24938718, 25312043, 26780318). This variant is not present in population databases (gnomAD no frequency). Disruption of this splice site has been observed in individual(s) with Stargardt disease (PMID: 32036094). ClinVar contains an entry for this variant (Variation ID: 801506). Algorithms developed to predict the effect of sequence changes on RNA splicing suggest that this variant may disrupt the consensus splice site. For these reasons, this variant has been classified as Pathogenic.

CeGaT Center for Human Genetics Tuebingen
Classification: Pathogenic. Last evaluated: 2021-06-01. Review status: criteria provided, single submitter. Criteria: CeGaT Center For Human Genetics Tuebingen Variant Classification Criteria Version 2. Collection method: clinical testing. Allele origin: germline. Affected: yes. Observed: 1 variant allele.

Mendelics
Classification: Likely pathogenic for Severe early-childhood-onset retinal dystrophy. Last evaluated: 2019-05-28. Review status: criteria provided, single submitter. Criteria: Mendelics Assertion Criteria 2017. Collection method: clinical testing. Allele origin: unknown.

Literature cited by the submitters: PubMed 16199547 (cited by Labcorp Genetics (formerly Invitae), Labcorp); PubMed 10958761 (cited by Labcorp Genetics (formerly Invitae), Labcorp); PubMed 24938718 (cited by Labcorp Genetics (formerly Invitae), Labcorp); PubMed 25312043 (cited by Labcorp Genetics (formerly Invitae), Labcorp); PubMed 26780318 (cited by Labcorp Genetics (formerly Invitae), Labcorp); PubMed 32036094 (cited by Labcorp Genetics (formerly Invitae), Labcorp).

NM_000350.3(ABCA4):c.5714+1G>T

Gene: ABCA4 (ATP binding cassette subfamily A member 4; minus strand). Cytogenetic location: 1p22.1.
Variant type: single nucleotide variant.
Coding change: c.5714+1G>T on transcript NM_000350.3 (MANE Select); the canonical splice donor site of the intron after coding-DNA position 5714, G replaced by T.
Molecular consequence: splice donor variant.
Genome position (GRCh38, 1-based): chr1:94,010,799, C>A on the plus strand (G>T on the coding strand, the complement: ABCA4 is on the minus strand). VCF-style: chr1-94010799-C-A. GRCh37 (hg19) VCF-style: chr1-94476355-C-A.
Identifiers: ClinVar variation 801506 (VCV000801506.44), dbSNP rs1232476760, ClinGen allele CA341280686.